The following is an entry in ClinVar:

ClinVar aggregate classification (germline): Uncertain significance (1 of 4 stars; one submission).

Conditions:
Inborn genetic diseases. Identifiers: MedGen C0950123, MeSH D030342.

gnomAD v4.1: 1 of 1,614,008 alleles (0.000062%); highest among the groups gnomAD compares: Non-Finnish European, 0.000085%; no homozygotes.

Submission:

Ambry Genetics
Classification: Uncertain significance for Inborn genetic diseases. Last evaluated: 2024-12-15. Review status: criteria provided, single submitter. Criteria: Ambry Variant Classification Scheme 2023. Collection method: clinical testing. Allele origin: germline.
Comment: The p.V72E variant (also known as c.215T>A), located in coding exon 2 of the ERCC6L2 gene, results from a T to A substitution at nucleotide position 215. The valine at codon 72 is replaced by glutamic acid, an amino acid with dissimilar properties. This amino acid position is conserved. In addition, the in silico prediction for this alteration is inconclusive. Based on the available evidence, the clinical significance of this variant remains unclear.

NM_020207.7(ERCC6L2):c.215T>A (p.Val72Glu)

Gene: ERCC6L2 (ERCC excision repair 6 like 2; plus strand). Cytogenetic location: 9q22.32.
Variant type: single nucleotide variant.
Coding change: c.215T>A on transcript NM_020207.7 (MANE Select); coding-DNA position 215, T replaced by A.
Protein change: p.Val72Glu; replaces valine 72 with glutamic acid.
Molecular consequence: missense variant. On other transcripts: non-coding transcript variant (1).
Genome position (GRCh38, 1-based): chr9:95,881,037, T>A. VCF-style: chr9-95881037-T-A. GRCh37 (hg19) VCF-style: chr9-98643319-T-A.
Other names: c.215T>A, p.Val72Glu (NM_001010895.4, NM_001375291.1, NM_001375292.1 and 2 more transcripts); short protein forms V72E.
Identifiers: ClinVar variation 3845800 (VCV003845800.1).